The following is an entry in ClinVar:

NM_003073.5(SMARCB1):c.227C>T (p.Thr76Ile)

Gene: SMARCB1 (SWI/SNF related BAF chromatin remodeling complex subunit B1; plus strand). Cytogenetic location: 22q11.23.
Variant type: single nucleotide variant.
Coding change: c.227C>T on transcript NM_003073.5 (MANE Select); coding-DNA position 227, C replaced by T.
Protein change: p.Thr76Ile; replaces threonine 76 with isoleucine.
Molecular consequence: missense variant. On other transcripts: intron variant (2).
Genome position (GRCh38, 1-based): chr22:23,791,889, C>T. VCF-style: chr22-23791889-C-T. GRCh37 (hg19) VCF-style: chr22-24134076-C-T.
Other names: c.227C>T, p.Thr76Ile (NM_001362877.2); c.205+22C>T (NM_001317946.2, NM_001007468.3); short protein forms T76I.
Identifiers: ClinVar variation 4864821 (VCV004864821.1).

ClinVar aggregate classification (germline): Uncertain significance (1 of 4 stars; one submission).

Conditions:
Hereditary cancer-predisposing syndrome. Also called: Neoplastic Syndromes, Hereditary; Tumor predisposition; Hereditary Cancer Syndrome; Hereditary neoplastic syndrome. Identifiers: Orphanet 140162, MedGen C0027672, MeSH D009386, MONDO:0015356.

Submission:

Ambry Genetics
Classification: Uncertain significance for Hereditary cancer-predisposing syndrome. Last evaluated: 2026-03-29. Review status: criteria provided, single submitter. Criteria: Ambry Variant Classification Scheme 2023. Collection method: clinical testing. Allele origin: germline.
Comment: The p.T76I variant (also known as c.227C>T), located in coding exon 2 of the SMARCB1 gene, results from a C to T substitution at nucleotide position 227. The threonine at codon 76 is replaced by isoleucine, an amino acid with similar properties. This amino acid position is conserved. In addition, the in silico prediction for this alteration is inconclusive. Based on the available evidence, the clinical significance of this variant remains unclear.